The following is an entry in ClinVar:

ClinVar aggregate classification (germline): Uncertain significance (1 of 4 stars; one submission).

Submission:

Labcorp Genetics (formerly Invitae), Labcorp
Classification: Uncertain significance. Last evaluated: 2023-11-27. Review status: criteria provided, single submitter. Criteria: Invitae Variant Classification Sherloc (09022015). Collection method: clinical testing. Allele origin: germline.
Comment: This sequence change replaces asparagine, which is neutral and polar, with isoleucine, which is neutral and non-polar, at codon 1272 of the UNC80 protein (p.Asn1272Ile). This variant is not present in population databases (gnomAD no frequency). This variant has not been reported in the literature in individuals affected with UNC80-related conditions. An algorithm developed to predict the effect of missense changes on protein structure and function (PolyPhen-2) suggests that this variant is likely to be disruptive. In summary, the available evidence is currently insufficient to determine the role of this variant in disease. Therefore, it has been classified as a Variant of Uncertain Significance.

NM_001371986.1(UNC80):c.3809A>T (p.Asn1270Ile)

Genes: UNC80 (unc-80 subunit of NALCN channel complex; plus strand), LOC121725110 (Sharpr-MPRA regulatory region 8902; plus strand). Cytogenetic location: 2q34.
Variant type: single nucleotide variant.
Coding change: c.3809A>T on transcript NM_001371986.1 (MANE Select); coding-DNA position 3809, A replaced by T.
Protein change: p.Asn1270Ile; replaces asparagine 1270 with isoleucine.
Molecular consequence: missense variant.
Genome position (GRCh38, 1-based): chr2:209,872,939, A>T. VCF-style: chr2-209872939-A-T. GRCh37 (hg19) VCF-style: chr2-210737663-A-T.
Other names: c.3815A>T, p.Asn1272Ile (NM_032504.2); c.3800A>T, p.Asn1267Ile (NM_182587.4); short protein forms N1267I, N1270I, N1272I.
Identifiers: ClinVar variation 2856343 (VCV002856343.3), dbSNP rs1314777504, ClinGen allele CA350742876.